The following is an entry in ClinVar:

ClinVar aggregate classification (germline): Benign (1 of 4 stars; one submission).

Conditions:
Ceroid lipofuscinosis, neuronal, 4 (Kufs type) (CLN4). Also called: Neuronal ceroid lipofuscinosis 4B; Ceroid lipofuscinosis, neuronal, 4, Parry type. Identifiers: Orphanet 228343, Orphanet 79262, MedGen C1834207, MONDO:0008083, OMIM 162350.

Allele frequency attached by ClinVar (database versions not stated): TOPMed 0.00018; 1000 Genomes Project 0.00060; gnomAD 0.00208.

Submission:

Illumina Laboratory Services, Illumina
Classification: Benign for Ceroid lipofuscinosis, neuronal, 4 (Kufs type). Last evaluated: 2018-01-12. Review status: criteria provided, single submitter. Criteria: ICSL Variant Classification Criteria 13 December 2019. Collection method: clinical testing. Allele origin: germline.
Comment: This variant was observed in the ICSL laboratory as part of a predisposition screen in an ostensibly healthy population. It had not been previously curated by ICSL or reported in the Human Gene Mutation Database (HGMD: prior to June 1st, 2018), and was therefore a candidate for classification through an automated scoring system. Utilizing variant allele frequency, disease prevalence and penetrance estimates, and inheritance mode, an automated score was calculated to assess if this variant is too frequent to cause the disease. Based on the score and internal cut-off values, a variant classified as benign is not then subjected to further curation. The score for this variant resulted in a classification of benign for this disease.

NM_025219.3(DNAJC5):c.*1183G>T

Gene: DNAJC5 (DnaJ heat shock protein family (Hsp40) member C5; plus strand). Cytogenetic location: 20q13.33.
Variant type: single nucleotide variant.
Coding change: c.*1183G>T on transcript NM_025219.3 (MANE Select); 1183 bases downstream of the stop codon, G replaced by T.
Molecular consequence: 3 prime UTR variant.
Genome position (GRCh38, 1-based): chr20:63,932,751, G>T. VCF-style: chr20-63932751-G-T. GRCh37 (hg19) VCF-style: chr20-62564104-G-T.
Identifiers: ClinVar variation 339383 (VCV000339383.6), dbSNP rs562364964, ClinGen allele CA10652790.
Genomic context (GRCh38, chr20:63,932,751, plus strand): 5'-GAAGGACTGACTGGACCAGAGGGACCCTCTGGCTCAGGAGGGTTGGGTCCCTGGGAGGCC[G>T]GCAGCCAGGCCACAGAATCCACACGTGGACCATTGTGGGTCCCTGGGAGGCCGGCAGCCA-3'